The following is an entry in ClinVar:

NM_001270508.2(TNFAIP3):c.1751A>G (p.Asn584Ser)

Gene: TNFAIP3 (TNF alpha induced protein 3; plus strand). Cytogenetic location: 6q23.3.
Variant type: single nucleotide variant.
Coding change: c.1751A>G on transcript NM_001270508.2 (MANE Select); coding-DNA position 1751, A replaced by G.
Protein change: p.Asn584Ser; replaces asparagine 584 with serine.
Molecular consequence: missense variant.
Genome position (GRCh38, 1-based): chr6:137,879,196, A>G. VCF-style: chr6-137879196-A-G. GRCh37 (hg19) VCF-style: chr6-138200333-A-G.
Other names: c.1751A>G, p.Asn584Ser (NM_001270507.2, NM_006290.4); short protein forms N584S.
Identifiers: ClinVar variation 2964420 (VCV002964420.3), dbSNP rs1383766410, ClinGen allele CA365793407.

ClinVar aggregate classification (germline): Uncertain significance (1 of 4 stars; one submission).

Allele frequency attached by ClinVar (database versions not stated): TOPMed below 0.00001.

Submission:

Labcorp Genetics (formerly Invitae), Labcorp
Classification: Uncertain significance. Last evaluated: 2023-12-09. Review status: criteria provided, single submitter. Criteria: Invitae Variant Classification Sherloc (09022015). Collection method: clinical testing. Allele origin: germline.
Comment: This sequence change replaces asparagine, which is neutral and polar, with serine, which is neutral and polar, at codon 584 of the TNFAIP3 protein (p.Asn584Ser). This variant is present in population databases (no rsID available, gnomAD 0.003%). This variant has not been reported in the literature in individuals affected with TNFAIP3-related conditions. Advanced modeling of protein sequence and biophysical properties (such as structural, functional, and spatial information, amino acid conservation, physicochemical variation, residue mobility, and thermodynamic stability) performed at Invitae indicates that this missense variant is not expected to disrupt TNFAIP3 protein function with a negative predictive value of 80%. In summary, the available evidence is currently insufficient to determine the role of this variant in disease. Therefore, it has been classified as a Variant of Uncertain Significance.